The following is an entry in ClinVar:

NM_006121.4(KRT1):c.359G>A (p.Gly120Asp)

Gene: KRT1 (keratin 1; minus strand). Cytogenetic location: 12q13.13.
Variant type: single nucleotide variant.
Coding change: c.359G>A on transcript NM_006121.4 (MANE Select); coding-DNA position 359, G replaced by A.
Protein change: p.Gly120Asp; replaces glycine 120 with aspartic acid.
Molecular consequence: missense variant.
Genome position (GRCh38, 1-based): chr12:52,679,990, C>T on the plus strand (G>A on the coding strand, the complement: KRT1 is on the minus strand). VCF-style: chr12-52679990-C-T. GRCh37 (hg19) VCF-style: chr12-53073774-C-T.
Other names: short protein forms G120D.
Identifiers: ClinVar variation 4751168 (VCV004751168.1).
Genomic context (GRCh38, chr12:52,679,990, plus strand): 5'-CCATATCCACCACCCCCAAAGCCACCTCCACCAAAACCACCACCACCACTGCCAAAACCA[C>T]CAAAGCCACCACCCCCAATGCCACCTCCACCAAAGCCACCACCACCAAAGCCACCACCAC-3'
Protein context (NP_006112.3, residues 110-130): GGGGIGGGGF[Gly120Asp]GFGSGGGGFG

ClinVar aggregate classification (germline): Uncertain significance (1 of 4 stars; one submission).

Submission:

Labcorp Genetics (formerly Invitae), Labcorp
Classification: Uncertain significance. Last evaluated: 2025-07-05. Review status: criteria provided, single submitter. Criteria: Invitae Variant Classification Sherloc (09022015). Collection method: clinical testing. Allele origin: germline.
Comment: This sequence change replaces glycine, which is neutral and non-polar, with aspartic acid, which is acidic and polar, at codon 120 of the KRT1 protein (p.Gly120Asp). The frequency data for this variant in the population databases is considered unreliable, as metrics indicate poor data quality at this position in the gnomAD database. This variant has not been reported in the literature in individuals affected with KRT1-related conditions. Invitae Evidence Modeling of protein sequence and biophysical properties (such as structural, functional, and spatial information, amino acid conservation, physicochemical variation, residue mobility, and thermodynamic stability) indicates that this missense variant is not expected to disrupt KRT1 protein function with a negative predictive value of 80%. In summary, the available evidence is currently insufficient to determine the role of this variant in disease. Therefore, it has been classified as a Variant of Uncertain Significance.